The following is an entry in ClinVar:

ClinVar aggregate classification (germline): Uncertain significance. Review status: criteria provided, multiple submitters, no conflicts (2 of 4 stars). 2 submissions from 2 submitters: Uncertain significance (2). Last evaluated 2025-08-29.

Conditions:
Inborn genetic diseases. Identifiers: MedGen C0950123, MeSH D030342.

Allele frequency attached by ClinVar (database versions not stated): gnomAD 0.00002; ExAC 0.00001; gnomAD exomes 0.00001; TOPMed 0.00004.
gnomAD v4.1: 15 of 1,613,946 alleles (0.00093%); highest among the groups gnomAD compares: Admixed American, 0.0017%; no homozygotes.

Submissions (2):

Labcorp Genetics (formerly Invitae), Labcorp
Classification: Uncertain significance. Last evaluated: 2025-08-29. Review status: criteria provided, single submitter. Criteria: Invitae Variant Classification Sherloc (09022015). Collection method: clinical testing. Allele origin: germline.
Comment: This sequence change replaces arginine, which is basic and polar, with glutamine, which is neutral and polar, at codon 50 of the SGMS2 protein (p.Arg50Gln). This variant is present in population databases (rs746523118, gnomAD 0.002%). This variant has not been reported in the literature in individuals affected with SGMS2-related conditions. ClinVar contains an entry for this variant (Variation ID: 2064971). An algorithm developed to predict the effect of missense changes on protein structure and function (PolyPhen-2) suggests that this variant is likely to be disruptive. In summary, the available evidence is currently insufficient to determine the role of this variant in disease. Therefore, it has been classified as a Variant of Uncertain Significance.

Ambry Genetics
Classification: Uncertain significance for Inborn genetic diseases. Last evaluated: 2024-10-19. Review status: criteria provided, single submitter. Criteria: Ambry Variant Classification Scheme 2023. Collection method: clinical testing. Allele origin: germline.

NM_001375905.1(SGMS2):c.149G>A (p.Arg50Gln)

Genes: CYP2U1-AS1 (CYP2U1 and SGMS2 antisense RNA 1; minus strand), SGMS2 (sphingomyelin synthase 2; plus strand). Cytogenetic location: 4q25.
Variant type: single nucleotide variant.
Coding change: c.149G>A on transcript NM_001375905.1 (MANE Select); coding-DNA position 149, G replaced by A.
Protein change: p.Arg50Gln; replaces arginine 50 with glutamine.
Molecular consequence: missense variant. On other transcripts: intron variant (1).
Genome position (GRCh38, 1-based): chr4:107,895,702, G>A. VCF-style: chr4-107895702-G-A. GRCh37 (hg19) VCF-style: chr4-108816858-G-A.
Other names: c.149G>A, p.Arg50Gln (NM_001136257.2, NM_001136258.2, NM_001375906.1 and 4 more transcripts); c.-64-3873G>A (NM_001375911.1); c.149G>A (NM_152621.5); short protein forms R50Q.
Identifiers: ClinVar variation 2064971 (VCV002064971.5), dbSNP rs746523118, ClinGen allele CA3036722.